The following is an entry in ClinVar:

NM_022114.4(PRDM16):c.3442G>A (p.Glu1148Lys)

Gene: PRDM16 (PR/SET domain 16; plus strand). Cytogenetic location: 1p36.32.
Variant type: single nucleotide variant.
Coding change: c.3442G>A on transcript NM_022114.4 (MANE Select); coding-DNA position 3442, G replaced by A.
Protein change: p.Glu1148Lys; replaces glutamic acid 1148 with lysine.
Molecular consequence: missense variant.
Genome position (GRCh38, 1-based): chr1:3,431,029, G>A. VCF-style: chr1-3431029-G-A. GRCh37 (hg19) VCF-style: chr1-3347593-G-A.
Other names: c.3442G>A, p.Glu1148Lys (NM_199454.3); short protein forms E1148K.
Identifiers: ClinVar variation 406233 (VCV000406233.12), dbSNP rs746465588, ClinGen allele CA544872.

ClinVar aggregate classification (germline): Uncertain significance. Review status: criteria provided, multiple submitters, no conflicts (2 of 4 stars). 3 submissions from 3 submitters: Uncertain significance (3). Last evaluated 2025-12-30.

Conditions:
Inborn genetic diseases. Identifiers: MedGen C0950123, MeSH D030342.
Left ventricular noncompaction 8 (LVNC8). Identifiers: Orphanet 154, Orphanet 54260, MedGen C3809288, MONDO:0014152, OMIM 615373.

Allele frequency attached by ClinVar (database versions not stated): ExAC 0.00003; TOPMed 0.00003; gnomAD exomes 0.00005.
gnomAD v4.1: 69 of 1,569,902 alleles (0.0044%); highest among the groups gnomAD compares: Middle Eastern, 0.018%; no homozygotes.

Submissions (3):

Labcorp Genetics (formerly Invitae), Labcorp
Classification: Uncertain significance for Left ventricular noncompaction 8. Last evaluated: 2025-12-30. Review status: criteria provided, single submitter. Criteria: Invitae Variant Classification Sherloc (09022015). Collection method: clinical testing. Allele origin: germline.
Comment: This sequence change replaces glutamic acid, which is acidic and polar, with lysine, which is basic and polar, at codon 1148 of the PRDM16 protein (p.Glu1148Lys). This variant is present in population databases (rs746465588, gnomAD 0.01%). This variant has not been reported in the literature in individuals affected with PRDM16-related conditions. ClinVar contains an entry for this variant (Variation ID: 406233). An algorithm developed to predict the effect of missense changes on protein structure and function (PolyPhen-2) suggests that this variant is likely to be tolerated. In summary, the available evidence is currently insufficient to determine the role of this variant in disease. Therefore, it has been classified as a Variant of Uncertain Significance.

Ambry Genetics
Classification: Uncertain significance for Inborn genetic diseases. Last evaluated: 2024-08-19. Review status: criteria provided, single submitter. Criteria: Ambry Variant Classification Scheme 2023. Collection method: clinical testing. Allele origin: germline.

GeneDx
Classification: Uncertain significance. Last evaluated: 2019-08-28. Review status: criteria provided, single submitter. Criteria: GeneDx Variant Classification Process June 2021. Collection method: clinical testing. Allele origin: germline. Affected: yes.
Comment: Has not been previously published as pathogenic or benign to our knowledge; In silico analysis, which includes protein predictors and evolutionary conservation, supports that this variant does not alter protein structure/function; Reported in ClinVar as a variant of uncertain significance (ClinVar Variant ID# 406233; Landrum et al., 2016)